The following is an entry in ClinVar:

ClinVar aggregate classification (germline): Pathogenic (1 of 4 stars; one submission).

Conditions:
Tuberous sclerosis 2 (TSC2). Identifiers: Orphanet 805, MedGen C1860707, MONDO:0013199, OMIM 613254.

Submission:

Labcorp Genetics (formerly Invitae), Labcorp
Classification: Pathogenic for Tuberous sclerosis 2. Last evaluated: 2019-05-28. Review status: criteria provided, single submitter. Criteria: Invitae Variant Classification Sherloc (09022015). Collection method: clinical testing. Allele origin: germline.
Comment: For these reasons, this variant has been classified as Pathogenic. Loss-of-function variants in TSC2 are known to be pathogenic (PMID: 10205261, 17304050). This variant has not been reported in the literature in individuals with TSC2-related conditions. This variant is not present in population databases (ExAC no frequency). This sequence change creates a premature translational stop signal (p.Ala447Glyfs*35) in the TSC2 gene. It is expected to result in an absent or disrupted protein product.

Literature cited by the submitters: PubMed 10205261; PubMed 17304050.

NM_000548.5(TSC2):c.1337dup (p.Ala447fs)

Gene: TSC2 (TSC complex subunit 2; plus strand). Cytogenetic location: 16p13.3.
Variant type: Duplication.
Coding change: c.1337dup on transcript NM_000548.5 (MANE Select); coding-DNA position 1337, one base duplicated (A; older notation c.1337dupA).
Protein change: p.Ala447fs; shifts the reading frame from alanine 447.
Molecular consequence: frameshift variant.
Genome position (GRCh38, 1-based): chr16:2,062,576, A duplicated. VCF-style (leftmost placement, unchanged base first): chr16-2062575-C-CA. GRCh37 (hg19) VCF-style: chr16-2112576-C-CA.
Other names: c.1337dup, p.Ala447fs (NM_001077183.3, NM_001114382.3, NM_001363528.2 and 3 more transcripts); c.1226dup, p.Ala410fs (NM_001318827.2); c.1190dup, p.Ala398fs (NM_001318829.2); c.737dup, p.Ala247fs (NM_001318831.2); c.1370dup, p.Ala458fs (NM_001318832.2); short protein forms A398fs, A410fs, A458fs, A247fs, A447fs.
Identifiers: ClinVar variation 862428 (VCV000862428.7), dbSNP rs2039161082, ClinGen allele CA916081795.